The following is an entry in ClinVar:

NM_004006.3(DMD):c.1483-41_1483-9del

Gene: DMD (dystrophin; minus strand). Cytogenetic location: Xp21.1.
Variant type: Deletion.
Coding change: c.1483-41_1483-9del on transcript NM_004006.3 (MANE Select); 41 bases into the intron before coding-DNA position 1483 through 9 bases into the intron before coding-DNA position 1483, 33 bases deleted.
Molecular consequence: intron variant.
Genome position (GRCh38, 1-based): chrX:32,595,885-32,595,917, 33 bases deleted; deleting any 33 consecutive bases within chrX:32,595,885-32,595,918 gives the same sequence; the c. name uses the placement nearest the transcript's 3' end. GRCh37 (hg19): chrX:32,614,003-32,614,035.
Other names: c.1459-41_1459-9del (NM_000109.4); c.1471-41_1471-9del (NM_004009.3); c.1114-41_1114-9del (NM_004010.3).
Identifiers: ClinVar variation 1355123 (VCV001355123.6), dbSNP rs2149265234, ClinGen allele CA2573158843.

ClinVar aggregate classification (germline): Uncertain significance (1 of 4 stars; one submission).

Conditions:
Duchenne muscular dystrophy (DMD). Also called: MUSCULAR DYSTROPHY, PSEUDOHYPERTROPHIC PROGRESSIVE, DUCHENNE TYPE; Duchenne Muscular Dystrophy (DMD). Identifiers: Orphanet 98896, MedGen C0013264, MONDO:0010679, OMIM 310200.

Submission:

Labcorp Genetics (formerly Invitae), Labcorp
Classification: Uncertain significance for Duchenne muscular dystrophy. Last evaluated: 2024-04-02. Review status: criteria provided, single submitter. Criteria: Invitae Variant Classification Sherloc (09022015). Collection method: clinical testing. Allele origin: germline.
Comment: This sequence change falls in intron 12 of the DMD gene. It does not directly change the encoded amino acid sequence of the DMD protein. RNA analysis indicates that this variant induces altered splicing and likely results in a shortened protein product. This variant is not present in population databases (gnomAD no frequency). This variant has not been reported in the literature in individuals affected with DMD-related conditions. ClinVar contains an entry for this variant (Variation ID: 1355123). Studies have shown that this variant results in skipping of exon 13, but is expected to preserve the integrity of the reading-frame (external communication). In summary, the available evidence is currently insufficient to determine the role of this variant in disease. Therefore, it has been classified as a Variant of Uncertain Significance.